The following is an entry in ClinVar:

NM_020822.3(KCNT1):c.3178-1G>C

Gene: KCNT1 (potassium sodium-activated channel subfamily T member 1; plus strand). Cytogenetic location: 9q34.3.
Variant type: single nucleotide variant.
Coding change: c.3178-1G>C on transcript NM_020822.3 (MANE Select); the canonical splice acceptor site of the intron before coding-DNA position 3178, G replaced by C.
Molecular consequence: splice acceptor variant.
Genome position (GRCh38, 1-based): chr9:135,786,196, G>C. VCF-style: chr9-135786196-G-C. GRCh37 (hg19) VCF-style: chr9-138678042-G-C.
Other names: c.3043-1G>C (NM_001272003.2).
Identifiers: ClinVar variation 4849591 (VCV004849591.1).

ClinVar aggregate classification (germline): Likely pathogenic (1 of 4 stars; one submission).

Conditions:
Developmental and epileptic encephalopathy, 14 (DEE14). Also called: Early infantile epileptic encephalopathy 14. Identifiers: Orphanet 293181, MedGen C3554195, MONDO:0013989, OMIM 614959.

Submission:

Service of Pediatric Gastrohepatology and Metabolic Diseases, University of Medicine of Tirana
Classification: Likely pathogenic for Developmental and epileptic encephalopathy, 14. Last evaluated: 2026-04-29. Review status: criteria provided, single submitter. Criteria: ACMG Guidelines, 2015. Collection method: clinical testing. Allele origin: germline. Inheritance: Autosomal dominant inheritance. Affected: yes. Observed: 1 variant allele.
Comment: KCNT1 c.3178-1G>C was classified as Likely pathogenic using ACMG/AMP 2015 criteria (PMID:25741868). This canonical splice-acceptor variant supports PVS1/splice loss-of-function evidence, with PM2 for rarity/absence in population databases when reviewed and PP4 for consistency with KCNT1-related epileptic encephalopathy (OMIM:614959).